The following is an entry in ClinVar:

NM_012414.4(RAB3GAP2):c.2647A>T (p.Thr883Ser)

Gene: RAB3GAP2 (RAB3 GTPase activating non-catalytic protein subunit 2; minus strand). Cytogenetic location: 1q41.
Variant type: single nucleotide variant.
Coding change: c.2647A>T on transcript NM_012414.4 (MANE Select); coding-DNA position 2647, A replaced by T.
Protein change: p.Thr883Ser; replaces threonine 883 with serine.
Molecular consequence: missense variant.
Genome position (GRCh38, 1-based): chr1:220,171,051, T>A on the plus strand (A>T on the coding strand, the complement: RAB3GAP2 is on the minus strand). VCF-style: chr1-220171051-T-A. GRCh37 (hg19) VCF-style: chr1-220344393-T-A.
Other names: short protein forms T883S.
Identifiers: ClinVar variation 4070741 (VCV004070741.1).
Genomic context (GRCh38, chr1:220,171,051, plus strand): 5'-GCAGAGTCTGAAGTATGAGACAATCCTCCAGCTGTTTCAGAAGGAGTTTCCAGTACTCAG[T>A]GTCAAGAGAAAGTGCCTCCCAGGAATCAGTGAGGGCCTCTGAATCAGCACCCAAAACTGT-3'
Protein context (NP_036546.2, residues 873-893): TDSWEALSLD[Thr883Ser]EYWKLLLKQL

ClinVar aggregate classification (germline): Uncertain significance (1 of 4 stars; one submission).

Submission:

GeneDx
Classification: Uncertain significance. Last evaluated: 2025-01-16. Review status: criteria provided, single submitter. Criteria: GeneDx Variant Classification Process June 2021. Collection method: clinical testing. Allele origin: germline. Affected: yes.
Comment: Not observed at significant frequency in large population cohorts (gnomAD); In silico analysis indicates that this missense variant does not alter protein structure/function; Has not been previously published as pathogenic or benign to our knowledge